The following is an entry in ClinVar:

ClinVar aggregate classification (germline): Uncertain significance (1 of 4 stars; one submission).

Submission:

GeneDx
Classification: Uncertain significance. Last evaluated: 2024-09-04. Review status: criteria provided, single submitter. Criteria: GeneDx Variant Classification Process June 2021. Collection method: clinical testing. Allele origin: germline. Affected: yes.
Comment: Not observed at significant frequency in large population cohorts (gnomAD); In silico analysis supports that this missense variant has a deleterious effect on protein structure/function; Has not been previously published as pathogenic or benign to our knowledge

NM_001003694.2(BRPF1):c.663C>G (p.Asp221Glu)

Gene: BRPF1 (bromodomain and PHD finger containing 1; plus strand). Cytogenetic location: 3p25.3.
Variant type: single nucleotide variant.
Coding change: c.663C>G on transcript NM_001003694.2 (MANE Select); coding-DNA position 663, C replaced by G.
Protein change: p.Asp221Glu; replaces aspartic acid 221 with glutamic acid.
Molecular consequence: missense variant. On other transcripts: non-coding transcript variant (1).
Genome position (GRCh38, 1-based): chr3:9,739,062, C>G. VCF-style: chr3-9739062-C-G. GRCh37 (hg19) VCF-style: chr3-9780746-C-G.
Other names: c.663C>G, p.Asp221Glu (NM_001319049.2, NM_001319050.2, NM_001410704.1 and 1 more transcripts); short protein forms D221E.
Identifiers: ClinVar variation 3767798 (VCV003767798.1).